The following is an entry in ClinVar:

NM_000535.7(PMS2):c.2276-7C>T

Gene: PMS2 (PMS1 homolog 2, mismatch repair system component; minus strand). Cytogenetic location: 7p22.1.
Variant type: single nucleotide variant.
Coding change: c.2276-7C>T on transcript NM_000535.7 (MANE Select); 7 bases into the intron before coding-DNA position 2276, C replaced by T.
Molecular consequence: intron variant. On other transcripts: missense variant (2).
Genome position (GRCh38, 1-based): chr7:5,977,764, G>A on the plus strand (C>T on the coding strand, the complement: PMS2 is on the minus strand). VCF-style: chr7-5977764-G-A. GRCh37 (hg19) VCF-style: chr7-6017395-G-A.
Other names: c.1897C>T, p.Leu633Phe (NM_001322009.2); c.2302C>T, p.Leu768Phe (NM_001322014.2); c.1958-7C>T (NM_001322008.2, NM_001322007.2); c.1715-7C>T (NM_001322010.2); c.1871-7C>T (NM_001322004.2, NM_001322003.2, NM_001322005.2); c.1703-7C>T (NM_001322013.2); c.1343-7C>T (NM_001322012.2, NM_001322011.2); c.1967-7C>T (NM_001322015.2); and 1 more; short protein forms L633F, L768F.
Identifiers: ClinVar variation 1097243 (VCV001097243.10), dbSNP rs1280041126, ClinGen allele CA2499218954.
Genomic context (GRCh38, chr7:5,977,764, plus strand): 5'-TCCAGTTTTTACTAGTTGGCAAGGAAATCAGTTTAGCCCTTTCAGTGACTGGAGCTAAAA[G>A]AATACAATTTTGAGAAAAATCCATGACTTGACAAACACGTTTCACTTGAAAGCTACTTAG-3'

ClinVar aggregate classification (germline): Likely benign. Review status: criteria provided, multiple submitters, no conflicts (2 of 4 stars). 2 submissions from 2 submitters: Likely benign (2). Last evaluated 2025-02-04.

Conditions:
Lynch syndrome 4 (LYNCH4). Also called: Hereditary non-polyposis colorectal cancer, type 4; Colorectal cancer, hereditary nonpolyposis, type 4. Identifiers: Orphanet 144, MedGen C1838333, MONDO:0013699, OMIM 614337. Disease mechanism: loss of function.
Hereditary nonpolyposis colorectal neoplasms. Identifiers: MedGen C0009405, MeSH D003123.

Submissions (2):

Labcorp Genetics (formerly Invitae), Labcorp
Classification: Likely benign for Hereditary nonpolyposis colorectal neoplasms. Last evaluated: 2025-02-04. Review status: criteria provided, single submitter. Criteria: Invitae Variant Classification Sherloc (09022015). Collection method: clinical testing. Allele origin: germline.

Myriad Genetics, Inc.
Classification: Likely benign for Lynch syndrome 4. Last evaluated: 2025-02-03. Review status: criteria provided, single submitter. Criteria: Myriad Autosomal Dominant, Autosomal Recessive and X-Linked Classification Criteria (2023). Collection method: clinical testing. Allele origin: unknown.
Comment: This variant is considered likely benign. This variant is intronic and is not expected to impact mRNA splicing.